The following is an entry in ClinVar:

ClinVar aggregate classification (germline): Uncertain significance (1 of 4 stars; one submission).

gnomAD v4.1: 1 of 1,612,394 alleles (0.000062%); highest among the groups gnomAD compares: Non-Finnish European, 0.000085%; no homozygotes.

Submission:

GeneDx
Classification: Uncertain significance. Last evaluated: 2025-06-30. Review status: criteria provided, single submitter. Criteria: GeneDx Variant Classification Process June 2021. Collection method: clinical testing. Allele origin: germline. Affected: yes.
Comment: Not observed at significant frequency in large population cohorts (gnomAD); In silico analysis supports that this missense variant has a deleterious effect on protein structure/function; Has not been previously published as pathogenic or benign to our knowledge

NM_197968.4(ZMYM2):c.2306A>G (p.Asp769Gly)

Gene: ZMYM2 (zinc finger MYM-type containing 2; plus strand). Cytogenetic location: 13q12.11.
Variant type: single nucleotide variant.
Coding change: c.2306A>G on transcript NM_197968.4 (MANE Select); coding-DNA position 2306, A replaced by G.
Protein change: p.Asp769Gly; replaces aspartic acid 769 with glycine.
Molecular consequence: missense variant. On other transcripts: non-coding transcript variant (1).
Genome position (GRCh38, 1-based): chr13:20,051,446, A>G. VCF-style: chr13-20051446-A-G. GRCh37 (hg19) VCF-style: chr13-20625586-A-G.
Other names: c.2306A>G, p.Asp769Gly (NM_001190964.4, NM_001190965.4, NM_001353157.2 and 5 more transcripts); c.2111A>G, p.Asp704Gly (NM_001353161.3); c.2045A>G, p.Asp682Gly (NM_001353163.2); short protein forms D682G, D704G, D769G.
Identifiers: ClinVar variation 4681107 (VCV004681107.1).